The following is an entry in ClinVar:

ClinVar aggregate classification (germline): Conflicting classifications of pathogenicity. Review status: criteria provided, conflicting classifications (1 of 4 stars). 3 submissions from 3 submitters: Uncertain significance (1); Likely benign (2). Last evaluated 2024-10-01.

Conditions:
Late-onset cone-rod dystrophy.

Allele frequency attached by ClinVar (database versions not stated): gnomAD 0.00001 and 0.00002; gnomAD exomes 0.00002 and 0.00006; TOPMed 0.00003; ExAC 0.00010; 1000 Genomes Project 0.00020; 1000 Genomes Project 30x 0.00031.
gnomAD v4.1: 39 of 1,613,834 alleles (0.0024%); highest among the groups gnomAD compares: Middle Eastern, 0.017%; no homozygotes.

Submissions (3):

Lab De Baere, Eye and Developmental Genetics Lab, Ghent University
Classification: Uncertain significance for Late-onset cone-rod dystrophy. Last evaluated: 2024-10-01. Review status: criteria provided, single submitter. Criteria: ACMG Guidelines, 2015. Collection method: research. Allele origin: inherited. Affected: yes. Observed: 1 variant allele.
Comment: ACMG/AMP guidelines: PM2, BP6, BP4, BP7

Labcorp Genetics (formerly Invitae), Labcorp
Classification: Likely benign. Last evaluated: 2024-01-22. Review status: criteria provided, single submitter. Criteria: Invitae Variant Classification Sherloc (09022015). Collection method: clinical testing. Allele origin: germline.

CeGaT Center for Human Genetics Tuebingen
Classification: Likely benign. Last evaluated: 2022-08-01. Review status: criteria provided, single submitter. Criteria: CeGaT Center For Human Genetics Tuebingen Variant Classification Criteria Version 2. Collection method: clinical testing. Allele origin: germline. Affected: yes. Observed: 1 variant allele.
Comment: ABCA4: BP4, BP7

NM_000350.3(ABCA4):c.1263G>A (p.Leu421=)

Gene: ABCA4 (ATP binding cassette subfamily A member 4; minus strand). Cytogenetic location: 1p22.1.
Variant type: single nucleotide variant.
Coding change: c.1263G>A on transcript NM_000350.3 (MANE Select); coding-DNA position 1263, G replaced by A.
Protein change: p.Leu421=; no amino-acid change (leucine 421 retained).
Molecular consequence: synonymous variant.
Genome position (GRCh38, 1-based): chr1:94,078,683, C>T on the plus strand (G>A on the coding strand, the complement: ABCA4 is on the minus strand). VCF-style: chr1-94078683-C-T. GRCh37 (hg19) VCF-style: chr1-94544239-C-T.
Other names: c.1263G>A, p.Leu421= (NM_001425324.1).
Identifiers: ClinVar variation 1119805 (VCV001119805.32), dbSNP rs568781940, ClinGen allele CA958579.
Genomic context (GRCh38, chr1:94,078,683, plus strand): 5'-GAAGTACCAGATCTGGGGCCCTACTTCTTCCCAGGCTTTGACCAACTTCCTAACGTGTTC[C>T]AGTTCTTCAAAAGTTGAGTTGGCCTAAAACCAGACAGAGATCAAGACAGAGACACGAACA-3'
Protein context (NP_000341.2, residues 411-431): LKNANSTFEE[Leu421=]EHVRKLVKAW